The following is an entry in ClinVar:

NM_004186.5(SEMA3F):c.1632C>T (p.Ser544=)

Gene: SEMA3F (semaphorin 3F; plus strand). Cytogenetic location: 3p21.31.
Variant type: single nucleotide variant.
Coding change: c.1632C>T on transcript NM_004186.5 (MANE Select); coding-DNA position 1632, C replaced by T.
Protein change: p.Ser544=; no amino-acid change (serine 544 retained).
Molecular consequence: synonymous variant.
Genome position (GRCh38, 1-based): chr3:50,185,933, C>T. VCF-style: chr3-50185933-C-T. GRCh37 (hg19) VCF-style: chr3-50223366-C-T.
Other names: c.1335C>T, p.Ser445= (NM_001318798.2); c.1539C>T, p.Ser513= (NM_001318800.2).
Identifiers: ClinVar variation 3033009 (VCV003033009.2), dbSNP rs747657646, ClinGen allele CA2412187.

ClinVar aggregate classification (germline): Likely benign (0 of 4 stars; one submission).

Conditions:
SEMA3F-related disorder. Also called: SEMA3F-related condition.

Allele frequency attached by ClinVar (database versions not stated): ExAC 0.00001; TOPMed 0.00003; gnomAD 0.00004; gnomAD exomes 0.00006.
gnomAD v4.1: 97 of 1,613,872 alleles (0.006%); highest among the groups gnomAD compares: Non-Finnish European, 0.0075%; no homozygotes.

Submission:

PreventionGenetics, part of Exact Sciences
Classification: Likely benign for SEMA3F-related condition. Last evaluated: 2023-05-03. Review status: no assertion criteria provided. Collection method: clinical testing. Allele origin: germline.
Comment: This variant is classified as likely benign based on ACMG/AMP sequence variant interpretation guidelines (Richards et al. 2015 PMID: 25741868, with internal and published modifications).